The following is an entry in ClinVar:

ClinVar aggregate classification (germline): Likely pathogenic (1 of 4 stars; one submission).

Conditions:
Sandhoff disease. Also called: GM2-GANGLIOSIDOSIS, TYPE II; HEXOSAMINIDASES A AND B DEFICIENCY; Beta-hexosaminidase-beta-subunit deficiency; GM2 gangliosidosis, type 2; Total hexosaminidase deficiency; Sandhoff-Jatzkewitz-Pilz disease. Identifiers: Orphanet 796, MedGen C0036161, MONDO:0010006, OMIM 268800.

Submission:

Natera, Inc.
Classification: Likely pathogenic for Sandhoff disease. Last evaluated: 2025-06-01. Review status: criteria provided, single submitter. Criteria: Natera Variant Classification Schema (03/2026). Collection method: clinical testing. Allele origin: germline.
Comment: The c.1282_1283dup variant in HEXB is a frameshift variant predicted to shift the reading frame beginning at codon 429 and leads to a stop codon 16 codons downstream. This variant is expected to result in nonsense mediated decay, truncation, or a dysfunctional protein product. This variant is rare in the general population with a frequency below the threshold expected for the associated phenotype(s). Given the available evidence, this variant is classified as Likely Pathogenic.

NM_000521.4(HEXB):c.1282_1283dup (p.Tyr429fs)

Gene: HEXB (hexosaminidase subunit beta; plus strand). Cytogenetic location: 5q13.3.
Variant type: Microsatellite.
Coding change: c.1282_1283dup on transcript NM_000521.4 (MANE Select); coding-DNA positions 1282 to 1283, 2 bases duplicated (GC; older notation c.1282_1283dupGC).
Protein change: p.Tyr429fs; shifts the reading frame from tyrosine 429.
Molecular consequence: frameshift variant.
Genome position (GRCh38, 1-based): chr5:74,718,836-74,718,837, GC duplicated; duplicating any 2 consecutive bases within chr5:74,718,834-74,718,837 gives the same sequence; the c. name uses the placement nearest the transcript's 3' end. VCF-style (leftmost placement, unchanged base first): chr5-74718833-A-AGC. GRCh37 (hg19) VCF-style: chr5-74014658-A-AGC.
Other names: c.607_608dup, p.Tyr204fs (NM_001292004.2); short protein forms Y204fs, Y429fs.
Identifiers: ClinVar variation 4814282 (VCV004814282.1).